The following is an entry in ClinVar:

ClinVar aggregate classification (germline): Uncertain significance (1 of 4 stars; one submission).

Conditions:
Cardiomyopathy (CMYO). Also called: Cardiomyopathies. Identifiers: Orphanet 167848, MedGen C0878544, MONDO:0004994, HP:0001638. Inheritance: Various modes of inheritance.

Submission:

Color Diagnostics, LLC DBA Color Health
Classification: Uncertain significance for Cardiomyopathy. Last evaluated: 2023-12-05. Review status: criteria provided, single submitter. Criteria: ACMG Guidelines, 2015. Collection method: clinical testing. Allele origin: germline.
Comment: Variant of Uncertain Significance due to insufficient evidence: This missense variant replaces glutamic acid with valine at codon 824 of the RYR2 protein. Computational prediction tools and conservation analyses suggest that this variant may have deleterious impact on the protein function. Computational splicing tools suggest that this variant may not impact RNA splicing. To our knowledge, functional assays have not been performed for this variant nor has this variant been reported in individuals affected with cardiovascular disorders in the literature. This variant is rare in the general population and has been identified in 0/277264 chromosomes by the Genome Aggregation Database (gnomAD). Available evidence is insufficient to determine the role of this variant in disease conclusively.

NM_001035.3(RYR2):c.2471A>T (p.Glu824Val)

Gene: RYR2 (ryanodine receptor 2; plus strand). Cytogenetic location: 1q43.
Variant type: single nucleotide variant.
Coding change: c.2471A>T on transcript NM_001035.3 (MANE Select); coding-DNA position 2471, A replaced by T.
Protein change: p.Glu824Val; replaces glutamic acid 824 with valine.
Molecular consequence: missense variant.
Genome position (GRCh38, 1-based): chr1:237,503,363, A>T. VCF-style: chr1-237503363-A-T. GRCh37 (hg19) VCF-style: chr1-237666663-A-T.
Other names: short protein forms E824V.
Identifiers: ClinVar variation 918532 (VCV000918532.5), dbSNP rs1664867345, ClinGen allele CA345378921.
Genomic context (GRCh38, chr1:237,503,363, plus strand): 5'-TTGGAGGGCGACATGGAGAATTCAAATTTCTTCCTCCACCTGGGTATGCTCCTTGTTATG[A>T]AGCTGTTCTGCCAAAAGAAAAGTTGAAAGTGGAACACAGCCGAGAGTACAAGCAAGAAAG-3'
Protein context (NP_001026.2, residues 814-834): LPPPGYAPCY[Glu824Val]AVLPKEKLKV